The following is an entry in ClinVar:

NC_000011.9:g.(?_674516)_(674803_?)dup

Gene: DEAF1 (DEAF1 transcription factor; minus strand). Cytogenetic location: 11p15.5.
Variant type: Duplication.
Identifiers: ClinVar variation 3244778 (VCV003244778.1).

ClinVar aggregate classification (germline): Likely pathogenic (1 of 4 stars; one submission).

Submission:

Labcorp Genetics (formerly Invitae), Labcorp
Classification: Likely pathogenic. Last evaluated: 2023-07-13. Review status: criteria provided, single submitter. Criteria: Invitae Variant Classification Sherloc (09022015). Collection method: clinical testing. Allele origin: unknown.
Comment: This variant results in a copy number gain of the genomic region encompassing exon(s) 10 of the DEAF1 gene. While the exact position of this variant cannot be determined from the data, sub-genic copy number gains are generally in tandem (PMID: 25640679). This variant is predicted to be out-of-frame, and may result in an absent or disrupted protein product. Loss-of-function variants in DEAF1 are known to be pathogenic (PMID: 30923367). This variant has not been reported in the literature in individuals affected with DEAF1-related conditions. In summary, the currently available evidence indicates that the variant is pathogenic, but additional data are needed to prove that conclusively. Therefore, this variant has been classified as Likely Pathogenic.

Literature cited by the submitters: PubMed 25640679; PubMed 30923367.